The following is an entry in ClinVar:

ClinVar aggregate classification (germline): Pathogenic. Review status: criteria provided, multiple submitters, no conflicts (2 of 4 stars). 4 submissions from 4 submitters: Pathogenic (3). 1 of the submissions does not count toward it. Last evaluated 2023-02-24.

Conditions:
Wilson disease (WND). Also called: Wilson's disease. Identifiers: Orphanet 905, MedGen C0019202, MONDO:0010200, OMIM 277900. Disease mechanism: loss of function.

Submissions (4):

Women's Health and Genetics/Laboratory Corporation of America, LabCorp
Classification: Pathogenic for Wilson disease. Last evaluated: 2023-02-24. Review status: criteria provided, single submitter. Criteria: LabCorp Variant Classification Summary - May 2015. Collection method: clinical testing. Allele origin: germline.
Comment: Variant summary: ATP7B c.2337G>A (p.Trp779X) results in a premature termination codon, predicted to cause a truncation of the encoded protein or absence of the protein due to nonsense mediated decay, which are commonly known mechanisms for disease. Truncations downstream of this position have been classified as pathogenic by our laboratory. The variant was absent in 249424 control chromosomes (gnomAD). c.2337G>A has been reported in the literature in multiple individuals affected with Wilson Disease (example: Gromadzka_2005 and Collins_2021). These data indicate that the variant is very likely to be associated with disease. One clinical diagnostic laboratory has submitted clinical-significance assessments for this variant to ClinVar after 2014 and classified the variant as pathogenic. Based on the evidence outlined above, the variant was classified as pathogenic.

Mayo Clinic Laboratories, Mayo Clinic
Classification: Pathogenic. Last evaluated: 2022-03-21. Review status: criteria provided, single submitter. Criteria: ACMG Guidelines, 2015. Collection method: clinical testing. Allele origin: germline. Observed: 1 variant allele.
Comment: PM2, PS4_moderate, PVS1

Labcorp Genetics (formerly Invitae), Labcorp
Classification: Pathogenic for Wilson disease. Last evaluated: 2022-02-20. Review status: criteria provided, single submitter. Criteria: Invitae Variant Classification Sherloc (09022015). Collection method: clinical testing. Allele origin: germline.
Comment: For these reasons, this variant has been classified as Pathogenic. ClinVar contains an entry for this variant (Variation ID: 156285). This premature translational stop signal has been observed in individual(s) with Wilson disease (PMID: 16283883). This variant is not present in population databases (gnomAD no frequency). This sequence change creates a premature translational stop signal (p.Trp779*) in the ATP7B gene. It is expected to result in an absent or disrupted protein product. Loss-of-function variants in ATP7B are known to be pathogenic (PMID: 10441329, 16283883).

ClinVar Staff, National Center for Biotechnology Information (NCBI)
No classification provided. Condition: Wilson's disease. Review status: no classification provided. Collection method: not provided. Allele origin: not provided. Not counted in ClinVar's aggregate classification.

Literature cited by the submitters: PubMed 16283883 (cited by Women's Health and Genetics/Laboratory Corporation of America, LabCorp and Labcorp Genetics (formerly Invitae), Labcorp); PubMed 33640437 (cited by Women's Health and Genetics/Laboratory Corporation of America, LabCorp); PubMed 10441329 (cited by Labcorp Genetics (formerly Invitae), Labcorp).

NM_000053.4(ATP7B):c.2337G>A (p.Trp779Ter)

Gene: ATP7B (ATPase copper transporting beta; minus strand). Cytogenetic location: 13q14.3.
Variant type: single nucleotide variant.
Coding change: c.2337G>A on transcript NM_000053.4 (MANE Select); coding-DNA position 2337, G replaced by A.
Protein change: p.Trp779Ter; replaces tryptophan 779 with a stop codon.
Molecular consequence: nonsense. On other transcripts: intron variant (2).
Genome position (GRCh38, 1-based): chr13:51,958,329, C>T on the plus strand (G>A on the coding strand, the complement: ATP7B is on the minus strand). VCF-style: chr13-51958329-C-T. GRCh37 (hg19) VCF-style: chr13-52532465-C-T.
Other names: p.Trp779*; c.2004G>A, p.Trp668Ter (NM_001243182.2); c.2085G>A, p.Trp695Ter (NM_001330579.2); c.1870-722G>A (NM_001005918.3); c.2122-722G>A (NM_001330578.2); c.2337G>A (NM_000053.3); short protein forms W779*, W695*, W668*.
Identifiers: ClinVar variation 156285 (VCV000156285.7), dbSNP rs137853282, ClinGen allele CA270736.